The following is an entry in ClinVar:

NM_000639.3(FASLG):c.147G>A (p.Pro49=)

Gene: FASLG (Fas ligand; plus strand). Cytogenetic location: 1q24.3.
Variant type: single nucleotide variant.
Coding change: c.147G>A on transcript NM_000639.3 (MANE Select); coding-DNA position 147, G replaced by A.
Protein change: p.Pro49=; no amino-acid change (proline 49 retained).
Molecular consequence: synonymous variant.
Genome position (GRCh38, 1-based): chr1:172,659,348, G>A. VCF-style: chr1-172659348-G-A. GRCh37 (hg19) VCF-style: chr1-172628488-G-A.
Other names: p.Pro49=; c.147G>A, p.Pro49= (NM_001302746.2).
Identifiers: ClinVar variation 293729 (VCV000293729.19), dbSNP rs61756244, ClinGen allele CA1247458.

ClinVar aggregate classification (germline): Benign/Likely benign. Review status: criteria provided, multiple submitters, no conflicts (2 of 4 stars). 7 submissions from 7 submitters: Benign (6); Likely benign (1). Last evaluated 2026-02-02.

Conditions:
Autoimmune lymphoproliferative syndrome type 1. Also called: AUTOIMMUNE LYMPHOPROLIFERATIVE SYNDROME, TYPE I, AUTOSOMAL DOMINANT. Identifiers: Orphanet 3261, MedGen C2717884, MONDO:0011158, OMIM 601859.

Allele frequency attached by ClinVar (database versions not stated): gnomAD exomes 0.00469 and 0.01212; ExAC 0.01418; gnomAD 0.04729 and 0.05080; 1000 Genomes Project 0.04832; 1000 Genomes Project 30x 0.05215; TOPMed 0.05309; ESP Exome Variant Server 0.05544.
gnomAD v4.1: 14,315 of 1,610,046 alleles (0.89%); highest among the groups gnomAD compares: African/African-American, 17%; 1,023 homozygotes.

Submissions (7):

Labcorp Genetics (formerly Invitae), Labcorp
Classification: Benign for Autoimmune lymphoproliferative syndrome. Last evaluated: 2026-02-02. Review status: criteria provided, single submitter. Criteria: Invitae Variant Classification Sherloc (09022015). Collection method: clinical testing. Allele origin: germline.

Women's Health and Genetics/Laboratory Corporation of America, LabCorp
Classification: Benign. Last evaluated: 2026-01-21. Review status: criteria provided, single submitter. Criteria: LabCorp Variant Classification Summary - May 2015. Collection method: clinical testing. Allele origin: germline.

Blueprint Genetics
Classification: Likely benign. Last evaluated: 2024-11-25. Review status: criteria provided, single submitter. Criteria: ACMG Guidelines, 2015. Collection method: clinical testing. Allele origin: germline.

Mayo Clinic Laboratories, Mayo Clinic
Classification: Benign. Last evaluated: 2024-02-08. Review status: criteria provided, single submitter. Criteria: ACMG Guidelines, 2015. Collection method: clinical testing. Allele origin: germline. Observed: 12 variant alleles.

GeneDx
Classification: Benign. Last evaluated: 2018-08-08. Review status: criteria provided, single submitter. Criteria: GeneDx Variant Classification Process June 2021. Collection method: clinical testing. Allele origin: germline. Affected: yes.

Illumina Laboratory Services, Illumina
Classification: Benign for Autoimmune lymphoproliferative syndrome type 1. Last evaluated: 2018-01-12. Review status: criteria provided, single submitter. Criteria: ICSL Variant Classification Criteria 13 December 2019. Collection method: clinical testing. Allele origin: germline.
Comment: This variant was observed in the ICSL laboratory as part of a predisposition screen in an ostensibly healthy population. It had not been previously curated by ICSL or reported in the Human Gene Mutation Database (HGMD: prior to June 1st, 2018), and was therefore a candidate for classification through an automated scoring system. Utilizing variant allele frequency, disease prevalence and penetrance estimates, and inheritance mode, an automated score was calculated to assess if this variant is too frequent to cause the disease. Based on the score and internal cut-off values, a variant classified as benign is not then subjected to further curation. The score for this variant resulted in a classification of benign for this disease.

Breakthrough Genomics
Classification: Benign. Review status: criteria provided, single submitter. Criteria: ACMG Guidelines, 2015. Collection method: not provided. Allele origin: germline. Inheritance: Autosomal dominant inheritance. Affected: yes.